The following is an entry in ClinVar:

ClinVar aggregate classification (germline): Conflicting classifications of pathogenicity. Review status: criteria provided, conflicting classifications (1 of 4 stars). 7 submissions from 7 submitters: Uncertain significance (3); Likely benign (3). 1 of the submissions does not count toward it. Last evaluated 2026-09-01.

Conditions:
COG7-related disorder. Also called: COG7-related condition.
COG7 congenital disorder of glycosylation (CDG2E). Also called: CONGENITAL DISORDER OF GLYCOSYLATION, TYPE IIe; CDG IIe. Identifiers: Orphanet 79333, MedGen C2931010, MONDO:0012118, OMIM 608779.

Allele frequency attached by ClinVar (database versions not stated): 1000 Genomes Project 0.00140; 1000 Genomes Project 30x 0.00172; gnomAD exomes 0.00181 and 0.00274; ExAC 0.00182; gnomAD 0.00222 and 0.00233; ESP Exome Variant Server 0.00223; TOPMed 0.00228.

Submissions (7):

CeGaT Center for Human Genetics Tuebingen
Classification: Likely benign. Last evaluated: 2026-09-01. Review status: criteria provided, single submitter. Criteria: CeGaT Center For Human Genetics Tuebingen Variant Classification Criteria Version 2. Collection method: clinical testing. Allele origin: germline. Affected: yes. Observed: 4 variant alleles.
Comment: COG7: BS2

Labcorp Genetics (formerly Invitae), Labcorp
Classification: Likely benign for COG7 congenital disorder of glycosylation. Last evaluated: 2026-02-01. Review status: criteria provided, single submitter. Criteria: Invitae Variant Classification Sherloc (09022015). Collection method: clinical testing. Allele origin: germline.

Revvity Omics, Revvity
Classification: Uncertain significance for COG7 congenital disorder of glycosylation. Last evaluated: 2022-05-11. Review status: criteria provided, single submitter. Criteria: ACMG Guidelines, 2015. Collection method: clinical testing. Allele origin: germline.

Baylor Genetics
Classification: Uncertain significance for COG7 congenital disorder of glycosylation. Last evaluated: 2019-02-22. Review status: criteria provided, single submitter. Criteria: ACMG Guidelines, 2015. Collection method: clinical testing. Allele origin: unknown. Affected: yes.
Comment: This variant was determined to be of uncertain significance according to ACMG Guidelines, 2015 [PMID:25741868].

GeneDx
Classification: Likely benign. Last evaluated: 2018-05-21. Review status: criteria provided, single submitter. Criteria: GeneDx Variant Classification (06012015). Collection method: clinical testing. Allele origin: germline. Affected: yes.
Comment: This variant is considered likely benign or benign based on one or more of the following criteria: it is a conservative change, it occurs at a poorly conserved position in the protein, it is predicted to be benign by multiple in silico algorithms, and/or has population frequency not consistent with disease.

Illumina Laboratory Services, Illumina
Classification: Uncertain significance for COG7 congenital disorder of glycosylation. Last evaluated: 2018-01-12. Review status: criteria provided, single submitter. Criteria: ICSL Variant Classification Criteria 13 December 2019. Collection method: clinical testing. Allele origin: germline.

PreventionGenetics, part of Exact Sciences
Classification: Likely benign for COG7-related condition. Last evaluated: 2022-04-20. Review status: no assertion criteria provided. Collection method: clinical testing. Allele origin: germline. Not counted in ClinVar's aggregate classification.
Comment: This variant is classified as likely benign based on ACMG/AMP sequence variant interpretation guidelines (Richards et al. 2015 PMID: 25741868, with internal and published modifications).

NM_153603.4(COG7):c.1178A>G (p.His393Arg)

Gene: COG7 (component of oligomeric golgi complex 7; minus strand). Cytogenetic location: 16p12.2.
Variant type: single nucleotide variant.
Coding change: c.1178A>G on transcript NM_153603.4 (MANE Select); coding-DNA position 1178, A replaced by G.
Protein change: p.His393Arg; replaces histidine 393 with arginine.
Molecular consequence: missense variant.
Genome position (GRCh38, 1-based): chr16:23,417,081, T>C on the plus strand (A>G on the coding strand, the complement: COG7 is on the minus strand). VCF-style: chr16-23417081-T-C. GRCh37 (hg19) VCF-style: chr16-23428402-T-C.
Other names: short protein forms H393R.
Identifiers: ClinVar variation 318477 (VCV000318477.27), dbSNP rs116331296, ClinGen allele CA7961056.
Genomic context (GRCh38, chr16:23,417,081, plus strand): 5'-GTGAATCTGACGCATCTGTCAACGGCTGCAGACGCCAGACCAAACAGCTTGTTCACGGAG[T>C]GGCTCAGCTCCTGCACACAGTCAATCACTTCCCCATGCTCCTGGTCAGCAAATACAGACA-3'
Protein context (NP_705831.1, residues 383-403): EVIDCVQELS[His393Arg]SVNKLFGLAS